The following is an entry in ClinVar:

ClinVar aggregate classification (germline): Benign/Likely benign. Review status: criteria provided, multiple submitters, no conflicts (2 of 4 stars). 7 submissions from 7 submitters: Benign (1); Likely benign (5). 1 of the submissions does not count toward it. Last evaluated 2026-08-01.

Conditions:
RYR1-related disorder. Also called: RYR1-related disorders; RYR1-related condition. Identifiers: MedGen CN239331.
Malignant hyperthermia, susceptibility to, 1 (MHS1). Also called: Malignant hyperthermia suceptibility 1; Anesthesia related hyperthermia; Malignant hyperpyrexia; Fulminating hyperpyrexia; Pharmacogenic myopathy; RYR1-Related Malignant Hyperthermia Susceptibility. Identifiers: Orphanet 423, MedGen C2930980, MONDO:0007783, OMIM 145600.

Submissions (7):

CeGaT Center for Human Genetics Tuebingen
Classification: Likely benign. Last evaluated: 2026-08-01. Review status: criteria provided, single submitter. Criteria: CeGaT Center For Human Genetics Tuebingen Variant Classification Criteria Version 2. Collection method: clinical testing. Allele origin: germline. Affected: yes. Observed: 8 variant alleles.
Comment: RYR1: BS2

Labcorp Genetics (formerly Invitae), Labcorp
Classification: Benign for RYR1-related disorder. Last evaluated: 2026-01-19. Review status: criteria provided, single submitter. Criteria: Invitae Variant Classification Sherloc (09022015). Collection method: clinical testing. Allele origin: germline.

Blueprint Genetics
Classification: Likely benign. Last evaluated: 2024-11-26. Review status: criteria provided, single submitter. Criteria: ACMG Guidelines, 2015. Collection method: clinical testing. Allele origin: germline.

GeneDx
Classification: Likely benign. Last evaluated: 2022-12-07. Review status: criteria provided, single submitter. Criteria: GeneDx Variant Classification Process June 2021. Collection method: clinical testing. Allele origin: germline. Affected: yes.
Comment: See Variant Classification Assertion Criteria.

Color Diagnostics, LLC DBA Color Health
Classification: Likely benign for Malignant hyperthermia, susceptibility to, 1. Last evaluated: 2022-05-05. Review status: criteria provided, single submitter. Criteria: ACMG Guidelines, 2015. Collection method: clinical testing. Allele origin: germline.

Eurofins Ntd Llc (ga)
Classification: Likely benign. Last evaluated: 2015-02-18. Review status: criteria provided, single submitter. Criteria: EGL Classification Definitions 2015. Collection method: clinical testing. Allele origin: germline. Observed: 2 variant alleles, 2 heterozygotes.

PreventionGenetics, part of Exact Sciences
Classification: Likely benign for RYR1-related condition. Last evaluated: 2019-06-24. Review status: no assertion criteria provided. Collection method: clinical testing. Allele origin: germline. Not counted in ClinVar's aggregate classification.
Comment: This variant is classified as likely benign based on ACMG/AMP sequence variant interpretation guidelines (Richards et al. 2015 PMID: 25741868, with internal and published modifications).

NM_000540.3(RYR1):c.5665GAG[2] (p.Glu1891del)

Gene: RYR1 (ryanodine receptor 1; plus strand). Cytogenetic location: 19q13.2.
Variant type: Microsatellite.
Coding change: c.5665GAG[2] on transcript NM_000540.3 (MANE Select); two copies in a row of the 3-base unit GAG starting at c.5665; the reference has three copies in a row; one copy, 3 bases deleted; also written c.5671_5673del.
Protein change: p.Glu1891del; deletes glutamic acid 1891.
Molecular consequence: inframe deletion.
Genome position (GRCh38, 1-based): chr19:38,489,300-38,489,302, GAG deleted; deleting any 3 consecutive bases within chr19:38,489,294-38,489,302 gives the same sequence; the position shown is the placement nearest the transcript's 3' end. VCF-style (leftmost placement, unchanged base first): chr19-38489293-TGAG-T. GRCh37 (hg19) VCF-style: chr19-38979933-TGAG-T.
Other names: c.5671_5673del (NM_000540.3); c.5671_5673delGAG (NM_000540.2); c.5665GAG[2], p.Glu1891del (NM_001042723.2); short protein forms E1891del.
Identifiers: ClinVar variation 196940 (VCV000196940.63), dbSNP rs559371263, ClinGen allele CA024534.